The following is an entry in ClinVar:

NM_177438.3(DICER1):c.1706_1710del (p.Ile569fs)

Gene: DICER1 (dicer 1, ribonuclease III; minus strand). Cytogenetic location: 14q32.13.
Variant type: Deletion.
Coding change: c.1706_1710del on transcript NM_177438.3 (MANE Select); coding-DNA positions 1706 to 1710, 5 bases deleted (TAAAA; older notation c.1706_1710delTAAAA).
Protein change: p.Ile569fs; shifts the reading frame from isoleucine 569.
Molecular consequence: frameshift variant.
Genome position (GRCh38, 1-based): chr14:95,116,495-95,116,499, TTTTA deleted on the plus strand (TAAAA on the coding strand, the reverse complement: DICER1 is on the minus strand); deleting any 5 consecutive bases within chr14:95,116,495-95,116,503 gives the same sequence; the c. name uses the placement nearest the transcript's 3' end. VCF-style (leftmost placement, unchanged base first): chr14-95116494-TTTTTA-T. GRCh37 (hg19) VCF-style: chr14-95582831-TTTTTA-T.
Other names: c.1706_1710delTAAAA (NM_177438.2); c.1706_1710del, p.Ile569fs (NM_001195573.1, NM_001271282.3, NM_001291628.2 and 1 more transcripts); short protein forms I569fs.
Identifiers: ClinVar variation 412198 (VCV000412198.8), dbSNP rs1060503665, ClinGen allele CA16614550.
Genomic context (GRCh38, chr14:95,116,494, plus strand): 5'-GTTAATATGTTGATCTTACCTTTTCAATAGCTTTGTAGGTTTTAAGGTCTTCTTCAAAAC[TTTTTA>T]TTTTGTCTGTATCCGCTAACATTATATAATTAGAGATGGGTGCCCTTGCTCTTCCTTTAG-3'

ClinVar aggregate classification (germline): Pathogenic (1 of 4 stars; one submission).

Conditions:
DICER1-related tumor predisposition. Also called: DICER1-related pleuropulmonary blastoma cancer predisposition syndrome; DICER1 syndrome. Identifiers: Orphanet 284343, MedGen C3839822, MONDO:0100216.

Submission:

Labcorp Genetics (formerly Invitae), Labcorp
Classification: Pathogenic for DICER1-related tumor predisposition. Last evaluated: 2021-12-02. Review status: criteria provided, single submitter. Criteria: Invitae Variant Classification Sherloc (09022015). Collection method: clinical testing. Allele origin: germline.
Comment: This sequence change creates a premature translational stop signal (p.Ile569Lysfs*3) in the DICER1 gene. It is expected to result in an absent or disrupted protein product. Loss-of-function variants in DICER1 are known to be pathogenic (PMID: 19556464, 21266384). This variant is not present in population databases (gnomAD no frequency). This variant has not been reported in the literature in individuals affected with DICER1-related conditions. ClinVar contains an entry for this variant (Variation ID: 412198). For these reasons, this variant has been classified as Pathogenic.

Literature cited by the submitters: PubMed 19556464; PubMed 21266384.